The following is an entry in ClinVar:

NM_001322934.2(NFKB2):c.88C>G (p.Pro30Ala)

Gene: NFKB2 (nuclear factor kappa B subunit 2; plus strand). Cytogenetic location: 10q24.32.
Variant type: single nucleotide variant.
Coding change: c.88C>G on transcript NM_001322934.2 (MANE Select); coding-DNA position 88, C replaced by G.
Protein change: p.Pro30Ala; replaces proline 30 with alanine.
Molecular consequence: missense variant.
Genome position (GRCh38, 1-based): chr10:102,396,319, C>G. VCF-style: chr10-102396319-C-G. GRCh37 (hg19) VCF-style: chr10-104156076-C-G.
Other names: c.88C>G, p.Pro30Ala (NM_001077494.3, NM_001261403.3, NM_001288724.1 and 2 more transcripts); short protein forms P30A.
Identifiers: ClinVar variation 4809392 (VCV004809392.1).

ClinVar aggregate classification (germline): Uncertain significance (1 of 4 stars; one submission).

Conditions:
Immunodeficiency, common variable, 10. Also called: IMMUNODEFICIENCY, COMMON VARIABLE, WITH CENTRAL ADRENAL INSUFFICIENCY; DEFICIT IN ANTERIOR PITUITARY FUNCTION AND VARIABLE IMMUNODEFICIENCY. Identifiers: MedGen C3809991, MONDO:0014260, OMIM 615577.

Submission:

Labcorp Genetics (formerly Invitae), Labcorp
Classification: Uncertain significance for Immunodeficiency, common variable, 10. Last evaluated: 2025-07-30. Review status: criteria provided, single submitter. Criteria: Invitae Variant Classification Sherloc (09022015). Collection method: clinical testing. Allele origin: germline.
Comment: This sequence change replaces proline, which is neutral and non-polar, with alanine, which is neutral and non-polar, at codon 30 of the NFKB2 protein (p.Pro30Ala). This variant is not present in population databases (gnomAD no frequency). This variant has not been reported in the literature in individuals affected with NFKB2-related conditions. An algorithm developed to predict the effect of missense changes on protein structure and function (PolyPhen-2) suggests that this variant is likely to be tolerated. In summary, the available evidence is currently insufficient to determine the role of this variant in disease. Therefore, it has been classified as a Variant of Uncertain Significance.